The following is an entry in ClinVar:

ClinVar aggregate classification (germline): Uncertain significance (1 of 4 stars; one submission).

Conditions:
Lymphatic malformation 9. Identifiers: MedGen C5543365, MONDO:0030270, OMIM 619319.

Allele frequency attached by ClinVar (database versions not stated): gnomAD exomes below 0.00001; TOPMed 0.00001.
gnomAD v4.1: 1 of 1,611,434 alleles (0.000062%); highest among the groups gnomAD compares: African/African-American, 0.0013%; no homozygotes.

Submission:

Clinical Genomics Laboratory, Washington University in St. Louis
Classification: Uncertain significance for Lymphatic malformation 9. Last evaluated: 2023-10-31. Review status: criteria provided, single submitter. Criteria: ACMG Guidelines, 2015. Collection method: clinical testing. Allele origin: germline.
Comment: The CELSR1 c.6463A>G (p.Thr2155Ala) variant, to our knowledge, has not been reported in the medical literature and is absent from the general population (gnomAD v.2.1.1), indicating it is not a common variant. Computational predictors suggest that the variant does not impact CELSR1 function. Due to limited information, and based on ACMG/AMP guidelines for variant interpretation (Richards S et al., PMID: 25741868), the clinical significance of this variant is uncertain at this time.

NM_001378328.1(CELSR1):c.6463A>G (p.Thr2155Ala)

Gene: CELSR1 (cadherin EGF LAG seven-pass G-type receptor 1; minus strand). Cytogenetic location: 22q13.31.
Variant type: single nucleotide variant.
Coding change: c.6463A>G on transcript NM_001378328.1 (MANE Select); coding-DNA position 6463, A replaced by G.
Protein change: p.Thr2155Ala; replaces threonine 2155 with alanine.
Molecular consequence: missense variant.
Genome position (GRCh38, 1-based): chr22:46,389,382, T>C on the plus strand (A>G on the coding strand, the complement: CELSR1 is on the minus strand). VCF-style: chr22-46389382-T-C. GRCh37 (hg19) VCF-style: chr22-46785279-T-C.
Other names: c.6463A>G, p.Thr2155Ala (NM_014246.4); short protein forms T2155A.
Identifiers: ClinVar variation 2672179 (VCV002672179.1), dbSNP rs1023126328, ClinGen allele CA325168398.